The following is an entry in ClinVar:

ClinVar aggregate classification (germline): Conflicting classifications of pathogenicity. Review status: criteria provided, conflicting classifications (1 of 4 stars). 2 submissions from 2 submitters: Uncertain significance (1); Likely benign (1). Last evaluated 2025-07-06.

Conditions:
Primary ciliary dyskinesia. Also called: Ciliary dyskinesia. Identifiers: Orphanet 244, MedGen C0008780, MONDO:0016575, HP:0012265.

Allele frequency attached by ClinVar (database versions not stated): gnomAD exomes below 0.00001.
gnomAD v4.1: 4 of 1,613,788 alleles (0.00025%); highest among the groups gnomAD compares: Non-Finnish European, 0.00034%; no homozygotes.

Submissions (2):

Ambry Genetics
Classification: Uncertain significance for Primary ciliary dyskinesia. Last evaluated: 2025-07-06. Review status: criteria provided, single submitter. Criteria: Ambry Variant Classification Scheme 2023. Collection method: clinical testing. Allele origin: germline.
Comment: The p.I1016T variant (also known as c.3047T>C), located in coding exon 16 of the DNAH11 gene, results from a T to C substitution at nucleotide position 3047. The isoleucine at codon 1016 is replaced by threonine, an amino acid with similar properties. This amino acid position is conserved. In addition, this alteration is predicted to be tolerated by in silico analysis. Based on the available evidence, the clinical significance of this variant remains unclear.

Labcorp Genetics (formerly Invitae), Labcorp
Classification: Likely benign for Primary ciliary dyskinesia. Last evaluated: 2023-08-02. Review status: criteria provided, single submitter. Criteria: Invitae Variant Classification Sherloc (09022015). Collection method: clinical testing. Allele origin: germline.

NM_001277115.2(DNAH11):c.3047T>C (p.Ile1016Thr)

Genes: DNAH11 (dynein axonemal heavy chain 11; plus strand), LOC126859961 (BRD4-independent group 4 enhancer GRCh37_chr7:21639662-21640861; plus strand). Cytogenetic location: 7p15.3.
Variant type: single nucleotide variant.
Coding change: c.3047T>C on transcript NM_001277115.2 (MANE Select); coding-DNA position 3047, T replaced by C.
Protein change: p.Ile1016Thr; replaces isoleucine 1016 with threonine.
Molecular consequence: missense variant.
Genome position (GRCh38, 1-based): chr7:21,600,722, T>C. VCF-style: chr7-21600722-T-C. GRCh37 (hg19) VCF-style: chr7-21640340-T-C.
Other names: c.3047T>C, p.Ile1016Thr (NM_003777.3); c.3047T>C (NM_001277115.1); short protein forms I1016T.
Identifiers: ClinVar variation 2885576 (VCV002885576.4), dbSNP rs1276704052, ClinGen allele CA366944991.